The following is an entry in ClinVar:

NM_001940.4(ATN1):c.987G>A (p.Leu329=)

Gene: ATN1 (atrophin 1; plus strand). Cytogenetic location: 12p13.31.
Variant type: single nucleotide variant.
Coding change: c.987G>A on transcript NM_001940.4 (MANE Select); coding-DNA position 987, G replaced by A.
Protein change: p.Leu329=; no amino-acid change (leucine 329 retained).
Molecular consequence: synonymous variant.
Genome position (GRCh38, 1-based): chr12:6,936,254, G>A. VCF-style: chr12-6936254-G-A. GRCh37 (hg19) VCF-style: chr12-7045417-G-A.
Other names: c.987G>A, p.Leu329= (NM_001007026.2, NM_001424176.1, NM_001424177.1 and 1 more transcripts); c.984G>A, p.Leu328= (NM_001424179.1, NM_001424180.1).
Identifiers: ClinVar variation 4086021 (VCV004086021.8).
Genomic context (GRCh38, chr12:6,936,254, plus strand): 5'-CCTCAACAATGCATCAGCCTCTCCCCCTGGCCTGGGGGCCCAACCACTACCTGGTCATCT[G>A]CCCTCTCCCCACGCCATGGGACAGGGTATGGGTGGACTTCCTCCTGGCCCAGAGAAGGGC-3'
Protein context (NP_001931.2, residues 319-339): GLGAQPLPGH[Leu329=]PSPHAMGQGM

ClinVar aggregate classification (germline): Likely benign (1 of 4 stars; one submission).

gnomAD v4.1: 194 of 1,609,642 alleles (0.012%); highest among the groups gnomAD compares: Non-Finnish European, 0.016%; no homozygotes.

Submission:

CeGaT Center for Human Genetics Tuebingen
Classification: Likely benign. Last evaluated: 2025-07-01. Review status: criteria provided, single submitter. Criteria: CeGaT Center For Human Genetics Tuebingen Variant Classification Criteria Version 2. Collection method: clinical testing. Allele origin: germline. Affected: yes. Observed: 1 variant allele.
Comment: ATN1: BP4, BP7